The following is an entry in ClinVar:

NM_006440.5(TXNRD2):c.682+16G>A

Gene: TXNRD2 (thioredoxin reductase 2; minus strand). Cytogenetic location: 22q11.21.
Variant type: single nucleotide variant.
Coding change: c.682+16G>A on transcript NM_006440.5 (MANE Select); 16 bases into the intron after coding-DNA position 682, G replaced by A.
Molecular consequence: intron variant.
Genome position (GRCh38, 1-based): chr22:19,899,033, C>T on the plus strand (G>A on the coding strand, the complement: TXNRD2 is on the minus strand). VCF-style: chr22-19899033-C-T. GRCh37 (hg19) VCF-style: chr22-19886556-C-T.
Other names: c.679+16G>A (NM_001352300.2); c.394+16G>A (NM_001352302.2); c.592+16G>A (NM_001352301.2); c.682+16G>A (NM_001282512.3); c.586+16G>A (NM_001352303.2).
Identifiers: ClinVar variation 513047 (VCV000513047.6), dbSNP rs377147143, ClinGen allele CA10104022.

ClinVar aggregate classification (germline): Likely benign. Review status: criteria provided, multiple submitters, no conflicts (2 of 4 stars). 2 submissions from 2 submitters: Likely benign (2). Last evaluated 2026-02-03.

Conditions:
Primary dilated cardiomyopathy (DCM). Also called: Dilated Cardiomyopathy. Identifiers: Orphanet 217604, MedGen C0007193, MeSH D002311, MONDO:0005021, HP:0001644. Inheritance: Various modes of inheritance.

Allele frequency attached by ClinVar (database versions not stated): TOPMed 0.00010; ESP Exome Variant Server 0.00024.
gnomAD v4.1: 28 of 1,605,848 alleles (0.0017%); highest among the groups gnomAD compares: African/African-American, 0.015%; no homozygotes.

Submissions (2):

Labcorp Genetics (formerly Invitae), Labcorp
Classification: Likely benign for Primary dilated cardiomyopathy. Last evaluated: 2026-02-03. Review status: criteria provided, single submitter. Criteria: Invitae Variant Classification Sherloc (09022015). Collection method: clinical testing. Allele origin: germline.

GeneDx
Classification: Likely benign. Last evaluated: 2017-10-30. Review status: criteria provided, single submitter. Criteria: GeneDx Variant Classification (06012015). Collection method: clinical testing. Allele origin: germline. Affected: yes.
Comment: This variant is considered likely benign or benign based on one or more of the following criteria: it is a conservative change, it occurs at a poorly conserved position in the protein, it is predicted to be benign by multiple in silico algorithms, and/or has population frequency not consistent with disease.